The following is an entry in ClinVar:

NM_016169.4(SUFU):c.217A>T (p.Met73Leu)

Gene: SUFU (SUFU negative regulator of hedgehog signaling; plus strand). Cytogenetic location: 10q24.32.
Variant type: single nucleotide variant.
Coding change: c.217A>T on transcript NM_016169.4 (MANE Select); coding-DNA position 217, A replaced by T.
Protein change: p.Met73Leu; replaces methionine 73 with leucine.
Molecular consequence: missense variant.
Genome position (GRCh38, 1-based): chr10:102,509,203, A>T. VCF-style: chr10-102509203-A-T. GRCh37 (hg19) VCF-style: chr10-104268960-A-T.
Other names: c.217A>T, p.Met73Leu (NM_001178133.2); c.217A>T (NM_016169.3); short protein forms M73L.
Identifiers: ClinVar variation 1392076 (VCV001392076.7), dbSNP rs1183694060, ClinGen allele CA377888408.
Genomic context (GRCh38, chr10:102,509,203, plus strand): 5'-ACACCCCTGTGTTTTGTTTTTTGCAGGTTGGGTGGCCCAGACCCCTTGGACTATGTTAGC[A>T]TGTACAGGAATGTGGGGAGCCCTTCTGCTAACATCCCCGAGCACTGGCACTACATCAGCT-3'
Protein context (NP_057253.2, residues 63-83): GGPDPLDYVS[Met73Leu]YRNVGSPSAN

ClinVar aggregate classification (germline): Uncertain significance. Review status: criteria provided, multiple submitters, no conflicts (2 of 4 stars). 2 submissions from 2 submitters: Uncertain significance (2). Last evaluated 2024-08-21.

Conditions:
Hereditary cancer-predisposing syndrome. Also called: Hereditary neoplastic syndrome; Neoplastic Syndromes, Hereditary; Hereditary Cancer Syndrome; Tumor predisposition. Identifiers: Orphanet 140162, MedGen C0027672, MeSH D009386, MONDO:0015356.
Medulloblastoma (MDB). Also called: MEDULLOBLASTOMA PREDISPOSITION SYNDROME; Medulloblastoma, somatic. Identifiers: Orphanet 616, MedGen C0025149, MeSH D008527, MONDO:0007959, OMIM 155255, HP:0002885.
Gorlin syndrome. Also called: Nevoid Basal Cell Carcinoma Syndrome; Basal cell nevus syndrome. Identifiers: Orphanet 377, MedGen C0004779, MONDO:0007187.

gnomAD v4.1: 1 of 1,614,186 alleles (0.000062%); highest among the groups gnomAD compares: Non-Finnish European, 0.000085%; no homozygotes.

Submissions (2):

Ambry Genetics
Classification: Uncertain significance for Hereditary cancer-predisposing syndrome. Last evaluated: 2024-08-21. Review status: criteria provided, single submitter. Criteria: Ambry Variant Classification Scheme 2023. Collection method: clinical testing. Allele origin: germline.
Comment: The p.M73L variant (also known as c.217A>T), located in coding exon 2 of the SUFU gene, results from an A to T substitution at nucleotide position 217. The methionine at codon 73 is replaced by leucine, an amino acid with highly similar properties. This amino acid position is conserved. In addition, this alteration is predicted to be deleterious by in silico analysis. Based on the available evidence, the clinical significance of this variant remains unclear.

Labcorp Genetics (formerly Invitae), Labcorp
Classification: Uncertain significance for Gorlin syndrome; Medulloblastoma. Last evaluated: 2021-11-08. Review status: criteria provided, single submitter. Criteria: Invitae Variant Classification Sherloc (09022015). Collection method: clinical testing. Allele origin: germline.
Comment: This sequence change replaces methionine, which is neutral and non-polar, with leucine, which is neutral and non-polar, at codon 73 of the SUFU protein (p.Met73Leu). This variant is not present in population databases (gnomAD no frequency). This variant has not been reported in the literature in individuals affected with SUFU-related conditions. Algorithms developed to predict the effect of missense changes on protein structure and function are either unavailable or do not agree on the potential impact of this missense change (SIFT: "Deleterious"; PolyPhen-2: "Probably Damaging"; Align-GVGD: "Class C0"). In summary, the available evidence is currently insufficient to determine the role of this variant in disease. Therefore, it has been classified as a Variant of Uncertain Significance.